The following is an entry in ClinVar:

NM_000038.6(APC):c.804A>G (p.Glu268=)

Gene: APC (APC regulator of Wnt signaling pathway; plus strand). Cytogenetic location: 5q22.2.
Variant type: single nucleotide variant.
Coding change: c.804A>G on transcript NM_000038.6 (MANE Select); coding-DNA position 804, A replaced by G.
Protein change: p.Glu268=; no amino-acid change (glutamic acid 268 retained).
Molecular consequence: synonymous variant. On other transcripts: 5 prime UTR variant (1).
Genome position (GRCh38, 1-based): chr5:112,801,353, A>G. VCF-style: chr5-112801353-A-G. GRCh37 (hg19) VCF-style: chr5-112137050-A-G.
Other names: c.804A>G (NM_000038.5); c.804A>G, p.Glu268= (NM_001127510.3, NM_001354895.2, NM_001354896.2 and 1 more transcripts); c.750A>G, p.Glu250= (NM_001127511.3); c.834A>G, p.Glu278= (NM_001354897.2, NM_001354902.2); c.729A>G, p.Glu243= (NM_001354898.2, NM_001354904.2); c.720A>G, p.Glu240= (NM_001354899.2); c.627A>G, p.Glu209= (NM_001354900.2, NM_001354901.2, NM_001354905.2); c.-232A>G (NM_001354906.2).
Identifiers: ClinVar variation 1115729 (VCV001115729.12), dbSNP rs970071415, ClinGen allele CA124954112.

ClinVar aggregate classification (germline): Benign/Likely benign. Review status: criteria provided, multiple submitters, no conflicts (2 of 4 stars). 3 submissions from 3 submitters: Benign (1); Likely benign (2). Last evaluated 2025-09-02.

Conditions:
Hereditary cancer-predisposing syndrome. Also called: Hereditary neoplastic syndrome; Hereditary Cancer Syndrome; Neoplastic Syndromes, Hereditary; Tumor predisposition. Identifiers: Orphanet 140162, MedGen C0027672, MeSH D009386, MONDO:0015356.
Familial adenomatous polyposis 1 (FAP1). Also called: FAMILIAL ADENOMATOUS POLYPOSIS 1, ATTENUATED; POLYPOSIS, ADENOMATOUS INTESTINAL. Identifiers: MedGen C2713442, MONDO:0021056, OMIM 175100. Disease mechanism: loss of function.

Submissions (3):

Labcorp Genetics (formerly Invitae), Labcorp
Classification: Likely benign for Familial adenomatous polyposis 1. Last evaluated: 2025-09-02. Review status: criteria provided, single submitter. Criteria: Invitae Variant Classification Sherloc (09022015). Collection method: clinical testing. Allele origin: germline.

Ambry Genetics
Classification: Likely benign for Hereditary cancer-predisposing syndrome. Last evaluated: 2025-08-04. Review status: criteria provided, single submitter. Criteria: Ambry Variant Classification Scheme 2023. Collection method: clinical testing. Allele origin: germline.

Myriad Genetics, Inc.
Classification: Benign for Familial adenomatous polyposis 1. Last evaluated: 2024-02-27. Review status: criteria provided, single submitter. Criteria: Myriad Autosomal Dominant, Autosomal Recessive and X-Linked Classification Criteria (2023). Collection method: clinical testing. Allele origin: unknown.
Comment: This variant is considered benign. This variant is a silent/synonymous amino acid change and it is not expected to impact splicing.